The following is an entry in ClinVar:

ClinVar aggregate classification (germline): Uncertain significance (1 of 4 stars; one submission).

Conditions:
Cardiomyopathy (CMYO). Also called: Cardiomyopathies. Identifiers: Orphanet 167848, MedGen C0878544, MONDO:0004994, HP:0001638. Inheritance: Various modes of inheritance.

Submission:

Color Diagnostics, LLC DBA Color Health
Classification: Uncertain significance for Cardiomyopathy. Last evaluated: 2023-12-05. Review status: criteria provided, single submitter. Criteria: ACMG Guidelines, 2015. Collection method: clinical testing. Allele origin: germline.
Comment: Variant of Uncertain Significance due to insufficient evidence: This missense variant is located in the Ig-like domain C0 of the MYBPC3 protein. Computational prediction tools and conservation analyses suggest that this variant may have deleterious impact on the protein function. Computational splicing tools suggest that this variant may not impact RNA splicing. To our knowledge, functional assays have not been performed for this variant nor has this variant been reported in individuals affected with cardiovascular disorders in the literature. This variant is rare in the general population and has been identified in 0/277264 chromosomes by the Genome Aggregation Database (gnomAD). Available evidence is insufficient to determine the role of this variant in disease conclusively.

NM_000256.3(MYBPC3):c.236A>G (p.Tyr79Cys)

Gene: MYBPC3 (myosin binding protein C3; minus strand). Cytogenetic location: 11p11.2.
Variant type: single nucleotide variant.
Coding change: c.236A>G on transcript NM_000256.3 (MANE Select); coding-DNA position 236, A replaced by G.
Protein change: p.Tyr79Cys; replaces tyrosine 79 with cysteine.
Molecular consequence: missense variant.
Genome position (GRCh38, 1-based): chr11:47,351,295, T>C on the plus strand (A>G on the coding strand, the complement: MYBPC3 is on the minus strand). VCF-style: chr11-47351295-T-C. GRCh37 (hg19) VCF-style: chr11-47372846-T-C.
Other names: short protein forms Y79C.
Identifiers: ClinVar variation 920413 (VCV000920413.5), dbSNP rs2095900637, ClinGen allele CA380341658.